The following is an entry in ClinVar:

ClinVar aggregate classification (germline): Benign (1 of 4 stars; one submission).

Allele frequency attached by ClinVar (database versions not stated): 1000 Genomes Project 0.25140; TOPMed 0.28373; 1000 Genomes Project 30x 0.24578; gnomAD 0.29864 and 0.30008.
gnomAD v4.1: 45,781 of 152,124 alleles (30%); highest among the groups gnomAD compares: Middle Eastern, 40%; 7,880 homozygotes.

Submissions (3):

GeneDx
Classification: Benign. Last evaluated: 2018-06-14. Review status: criteria provided, single submitter. Criteria: GeneDx Variant Classification (06012015). Collection method: clinical testing. Allele origin: germline. Affected: yes.
Comment: This variant is considered likely benign or benign based on one or more of the following criteria: it is a conservative change, it occurs at a poorly conserved position in the protein, it is predicted to be benign by multiple in silico algorithms, and/or has population frequency not consistent with disease.

Dr. Peter K. Rogan Lab, Western University
No classification provided (evidence only). Condition: Malignant lymphoma, large B-cell, diffuse. Review status: no classification provided. Collection method: in vitro. Allele origin: not applicable. Functional consequence: retained intron. Not counted in ClinVar's aggregate classification.

Dr. Peter K. Rogan Lab, Western University
No classification provided (evidence only). Condition: Hepatocellular carcinoma. Review status: no classification provided. Collection method: in vitro. Allele origin: not applicable. Functional consequence: retained intron. Not counted in ClinVar's aggregate classification.

NM_006939.4(SOS2):c.2785+226A>G

Gene: SOS2 (SOS Ras/Rho guanine nucleotide exchange factor 2; minus strand). Cytogenetic location: 14q21.3.
Variant type: single nucleotide variant.
Coding change: c.2785+226A>G on transcript NM_006939.4 (MANE Select); 226 bases into the intron after coding-DNA position 2785, A replaced by G.
Molecular consequence: intron variant.
Genome position (GRCh38, 1-based): chr14:50,139,716, T>C on the plus strand (A>G on the coding strand, the complement: SOS2 is on the minus strand). VCF-style: chr14-50139716-T-C. GRCh37 (hg19) VCF-style: chr14-50606434-T-C.
Other names: NC_000014.8:g.50606434T>C.
Identifiers: ClinVar variation 561605 (VCV000561605.2), dbSNP rs12892681, ClinGen allele CA14030247.
Genomic context (GRCh38, chr14:50,139,716, plus strand): 5'-GATAGTTATGATAAAAATAACAGTTACCATTTCATGAGTGCGTCCTATGTGCTAGACTTA[T>C]TAGGTAGTACAGACAAAATATTTTTAATCCTTATTTATAACAACCCTATGAGATATTATA-3'